The following is an entry in ClinVar:

NM_001761.3(CCNF):c.481G>A (p.Gly161Arg)

Gene: CCNF (cyclin F; plus strand). Cytogenetic location: 16p13.3.
Variant type: single nucleotide variant.
Coding change: c.481G>A on transcript NM_001761.3 (MANE Select); coding-DNA position 481, G replaced by A.
Protein change: p.Gly161Arg; replaces glycine 161 with arginine.
Molecular consequence: missense variant. On other transcripts: 5 prime UTR variant (1).
Genome position (GRCh38, 1-based): chr16:2,437,263, G>A. VCF-style: chr16-2437263-G-A. GRCh37 (hg19) VCF-style: chr16-2487264-G-A.
Other names: c.-444G>A (NM_001323538.2); short protein forms G161R.
Identifiers: ClinVar variation 1805877 (VCV001805877.1), dbSNP rs148159882, ClinGen allele CA7842087.

ClinVar aggregate classification (germline): Uncertain significance (1 of 4 stars; one submission).

Conditions:
Frontotemporal dementia and/or amyotrophic lateral sclerosis 5. Identifiers: MedGen C5436884, MONDO:0030875, OMIM 619141.

Allele frequency attached by ClinVar (database versions not stated): ExAC 0.00004; gnomAD 0.00007; ESP Exome Variant Server 0.00008; gnomAD exomes 0.00008; TOPMed 0.00008.
gnomAD v4.1: 130 of 1,610,172 alleles (0.0081%); highest among the groups gnomAD compares: Non-Finnish European, 0.0091%; 1 homozygote.

Submission:

Victorian Clinical Genetics Services, Murdoch Childrens Research Institute
Classification: Uncertain significance for Frontotemporal dementia and/or amyotrophic lateral sclerosis 5. Last evaluated: 2021-05-06. Review status: criteria provided, single submitter. Criteria: ACMG Guidelines, 2015. Collection method: clinical testing. Allele origin: germline. Inheritance: Autosomal dominant inheritance. Affected: yes.
Comment: Based on the classification scheme VCGS_Germline_v1.3.4, this variant is classified as VUS-3A. Following criteria are met: 0101 - Gain of function is a known mechanism of disease in this gene and is associated with amyotrophic lateral sclerosis with/without frontotemporal dementia (PMIDs: 27080313, 31577344). (I) 0107 - This gene is associated with autosomal dominant disease. (I) 0200 - Variant is predicted to result in a missense amino acid change from glycine to arginine. (I) 0251 - This variant is heterozygous. (I) 0302 - Variant is present in gnomAD (v2) <0.001 for a dominant condition (14 heterozygotes, 0 homozygotes). (SP) 0501 - Missense variant consistently predicted to be damaging by multiple in silico tools or highly conserved with a major amino acid change. (SP) 0604 - Variant is not located in an established domain, motif, hotspot or informative constraint region. (I) 0705 - No comparable missense variants have previous evidence for pathogenicity. (I) 0803 - This variant has limited previous evidence of pathogenicity in unrelated individuals. It has been reported in two individuals with sporadic amyotrophic lateral sclerosis (PMIDs: 27080313, 28281833). (SP) 0905 - No published segregation evidence has been identified for this variant. (I) 1007 - No published functional evidence has been identified for this variant. (I) 1208 - Inheritance information for this variant is not currently available in this individual. (I) Legend: (SP) - Supporting pathogenic, (I) - Information, (SB) - Supporting benign

Literature cited by the submitters: PubMed 27080313; PubMed 28281833; PubMed 31577344.